The following is an entry in ClinVar:

NM_014003.4(DHX38):c.2827G>A (p.Gly943Arg)

Genes: DHX38 (DEAH-box helicase 38; plus strand), LOC126862391 (CDK7 strongly-dependent group 2 enhancer GRCh37_chr16:72141414-72142613; plus strand). Cytogenetic location: 16q22.2.
Variant type: single nucleotide variant.
Coding change: c.2827G>A on transcript NM_014003.4 (MANE Select); coding-DNA position 2827, G replaced by A.
Protein change: p.Gly943Arg; replaces glycine 943 with arginine.
Molecular consequence: missense variant.
Genome position (GRCh38, 1-based): chr16:72,107,662, G>A. VCF-style: chr16-72107662-G-A. GRCh37 (hg19) VCF-style: chr16-72141561-G-A.
Other names: short protein forms G943R.
Identifiers: ClinVar variation 1467467 (VCV001467467.6), dbSNP rs1296049923, ClinGen allele CA396714634.

ClinVar aggregate classification (germline): Uncertain significance (1 of 4 stars; one submission).

Allele frequency attached by ClinVar (database versions not stated): TOPMed below 0.00001.

Submission:

Labcorp Genetics (formerly Invitae), Labcorp
Classification: Uncertain significance. Last evaluated: 2021-11-15. Review status: criteria provided, single submitter. Criteria: Invitae Variant Classification Sherloc (09022015). Collection method: clinical testing. Allele origin: germline.
Comment: In summary, the available evidence is currently insufficient to determine the role of this variant in disease. Therefore, it has been classified as a Variant of Uncertain Significance. Algorithms developed to predict the effect of sequence changes on RNA splicing suggest that this variant may create or strengthen a splice site. Algorithms developed to predict the effect of missense changes on protein structure and function (SIFT, PolyPhen-2, Align-GVGD) all suggest that this variant is likely to be disruptive. This variant has not been reported in the literature in individuals affected with DHX38-related conditions. This variant is not present in population databases (gnomAD no frequency). This sequence change replaces glycine, which is neutral and non-polar, with arginine, which is basic and polar, at codon 943 of the DHX38 protein (p.Gly943Arg).